The following is an entry in ClinVar:

NM_016284.5(CNOT1):c.5933A>G (p.His1978Arg)

Gene: CNOT1 (CCR4-NOT transcription complex subunit 1; minus strand). Cytogenetic location: 16q21.
Variant type: single nucleotide variant.
Coding change: c.5933A>G on transcript NM_016284.5 (MANE Select); coding-DNA position 5933, A replaced by G.
Protein change: p.His1978Arg; replaces histidine 1978 with arginine.
Molecular consequence: missense variant. On other transcripts: non-coding transcript variant (1).
Genome position (GRCh38, 1-based): chr16:58,532,358, T>C on the plus strand (A>G on the coding strand, the complement: CNOT1 is on the minus strand). VCF-style: chr16-58532358-T-C. GRCh37 (hg19) VCF-style: chr16-58566262-T-C.
Other names: c.5918A>G, p.His1973Arg (NM_001265612.2); short protein forms H1973R, H1978R.
Identifiers: ClinVar variation 2501873 (VCV002501873.1), dbSNP rs2543847042, ClinGen allele CA396162765.
Genomic context (GRCh38, chr16:58,532,358, plus strand): 5'-AGAAGCATGATAAAAATTCGATGGTAGGGAAGTTGCTGAAATTCACTCTGACGAACATCA[T>C]GATCCTGAAGGAGAACTCCCACTACTATACCAAGGACCTACGTAAAACACAAATCAGAGC-3'
Protein context (NP_057368.3, residues 1968-1988): GIVVGVLLQD[His1978Arg]DVRQSEFQQL

ClinVar aggregate classification (germline): Uncertain significance (1 of 4 stars; one submission).

Submission:

GeneDx
Classification: Uncertain significance. Last evaluated: 2022-11-13. Review status: criteria provided, single submitter. Criteria: GeneDx Variant Classification Process June 2021. Collection method: clinical testing. Allele origin: germline. Affected: yes.
Comment: Not observed at significant frequency in large population cohorts (gnomAD); In silico analysis supports that this missense variant has a deleterious effect on protein structure/function; Has not been previously published as pathogenic or benign to our knowledge